The following is an entry in ClinVar:

ClinVar aggregate classification (germline): Uncertain significance (1 of 4 stars; one submission).

Conditions:
Spastic paraplegia. Identifiers: MedGen C0037772, HP:0001258.

Allele frequency attached by ClinVar (database versions not stated): gnomAD exomes 0.00001 and 0.00003; ExAC 0.00003; gnomAD 0.00005 and 0.00006; TOPMed 0.00014.
gnomAD v4.1: 15 of 1,207,659 alleles (0.0012%); highest among the groups gnomAD compares: African/African-American, 0.024%; no homozygotes.

Submission:

Labcorp Genetics (formerly Invitae), Labcorp
Classification: Uncertain significance for Spastic paraplegia. Last evaluated: 2024-05-06. Review status: criteria provided, single submitter. Criteria: Invitae Variant Classification Sherloc (09022015). Collection method: clinical testing. Allele origin: germline.
Comment: This sequence change falls in intron 8 of the L1CAM gene. It does not directly change the encoded amino acid sequence of the L1CAM protein. It affects a nucleotide within the consensus splice site. This variant is present in population databases (rs201734187, gnomAD 0.02%), including at least one homozygous and/or hemizygous individual. This variant has not been reported in the literature in individuals affected with L1CAM-related conditions. ClinVar contains an entry for this variant (Variation ID: 1365062). Variants that disrupt the consensus splice site are a relatively common cause of aberrant splicing (PMID: 17576681, 9536098). Algorithms developed to predict the effect of sequence changes on RNA splicing suggest that this variant is not likely to affect RNA splicing. In summary, the available evidence is currently insufficient to determine the role of this variant in disease. Therefore, it has been classified as a Variant of Uncertain Significance.

Literature cited by the submitters: PubMed 17576681; PubMed 9536098.

NM_001278116.2(L1CAM):c.992-3C>T

Gene: L1CAM (L1 cell adhesion molecule; minus strand). Cytogenetic location: Xq28.
Variant type: single nucleotide variant.
Coding change: c.992-3C>T on transcript NM_001278116.2 (MANE Select); 3 bases into the intron before coding-DNA position 992, C replaced by T.
Molecular consequence: intron variant.
Genome position (GRCh38, 1-based): chrX:153,869,937, G>A on the plus strand (C>T on the coding strand, the complement: L1CAM is on the minus strand). VCF-style: chrX-153869937-G-A. GRCh37 (hg19) VCF-style: chrX-153135392-G-A.
Other names: c.977-3C>T (NM_001143963.2); c.992-3C>T (NM_024003.3, NM_000425.5).
Identifiers: ClinVar variation 1365062 (VCV001365062.5), dbSNP rs201734187, ClinGen allele CA10554447.